The following is an entry in ClinVar:

NM_014915.3(ANKRD26):c.1210A>G (p.Met404Val)

Gene: ANKRD26 (ankyrin repeat domain 26; minus strand). Cytogenetic location: 10p12.1.
Variant type: single nucleotide variant.
Coding change: c.1210A>G on transcript NM_014915.3 (MANE Select); coding-DNA position 1210, A replaced by G.
Protein change: p.Met404Val; replaces methionine 404 with valine.
Molecular consequence: missense variant.
Genome position (GRCh38, 1-based): chr10:27,066,546, T>C on the plus strand (A>G on the coding strand, the complement: ANKRD26 is on the minus strand). VCF-style: chr10-27066546-T-C. GRCh37 (hg19) VCF-style: chr10-27355475-T-C.
Other names: c.1210A>G, p.Met404Val (NM_001256053.2); short protein forms M404V.
Identifiers: ClinVar variation 2635654 (VCV002635654.5), dbSNP rs751538106, ClinGen allele CA5448641.

ClinVar aggregate classification (germline): Uncertain significance. Review status: criteria provided, multiple submitters, no conflicts (2 of 4 stars). 4 submissions from 4 submitters: Uncertain significance (4). Last evaluated 2025-02-02.

Conditions:
Inborn genetic diseases. Identifiers: MedGen C0950123, MeSH D030342.
Thrombocytopenia 2 (THC2). Also called: ANKRD26-Related Thrombocytopenia. Identifiers: Orphanet 268322, MedGen C1861185, MONDO:0008555, OMIM 188000.
ANKRD26-related disorder. Also called: ANKRD26-related condition.

Allele frequency attached by ClinVar (database versions not stated): gnomAD exomes below 0.00001; TOPMed 0.00001; ExAC 0.00001; gnomAD 0.00001.
gnomAD v4.1: 4 of 1,593,220 alleles (0.00025%); highest among the groups gnomAD compares: African/African-American, 0.0054%; no homozygotes.

Submissions (4):

Ambry Genetics
Classification: Uncertain significance for Inborn genetic diseases. Last evaluated: 2025-02-02. Review status: criteria provided, single submitter. Criteria: Ambry Variant Classification Scheme 2023. Collection method: clinical testing. Allele origin: germline.
Comment: The p.M404V variant (also known as c.1210A>G), located in coding exon 11 of the ANKRD26 gene, results from an A to G substitution at nucleotide position 1210. The methionine at codon 404 is replaced by valine, an amino acid with highly similar properties. This amino acid position is conserved. In addition, this alteration is predicted to be tolerated by in silico analysis. Based on the available evidence, the clinical significance of this variant remains unclear.

Labcorp Genetics (formerly Invitae), Labcorp
Classification: Uncertain significance. Last evaluated: 2024-10-10. Review status: criteria provided, single submitter. Criteria: Invitae Variant Classification Sherloc (09022015). Collection method: clinical testing. Allele origin: germline.
Comment: This sequence change replaces methionine, which is neutral and non-polar, with valine, which is neutral and non-polar, at codon 404 of the ANKRD26 protein (p.Met404Val). This variant is present in population databases (rs751538106, gnomAD 0.007%). This variant has not been reported in the literature in individuals affected with ANKRD26-related conditions. ClinVar contains an entry for this variant (Variation ID: 2635654). An algorithm developed to predict the effect of missense changes on protein structure and function (PolyPhen-2) suggests that this variant is likely to be tolerated. In summary, the available evidence is currently insufficient to determine the role of this variant in disease. Therefore, it has been classified as a Variant of Uncertain Significance.

St. Jude Molecular Pathology, St. Jude Children's Research Hospital
Classification: Uncertain significance for Thrombocytopenia 2. Last evaluated: 2024-09-18. Review status: criteria provided, single submitter. Criteria: St. Jude Assertion Criteria 2020. Collection method: clinical testing. Allele origin: germline.
Comment: The ANKRD26 c.1210A>G (p.Met404Val) missense change has a maximum subpopulation frequency of 0.006% in gnomAD v2.1.1. This variant is not located in the 5' UTR. The in silico tool REVEL predicts a benign effect on protein function, but to our knowledge this prediction has not been confirmed by functional studies. To our knowledge, this variant has not been reported in individuals with ANKRD26-related thrombocytopenia. In summary, the evidence currently available is insufficient to determine the clinical significance of this variant. It has therefore been classified as of uncertain significance.

PreventionGenetics, part of Exact Sciences
Classification: Uncertain significance for ANKRD26-related condition. Last evaluated: 2022-12-24. Review status: criteria provided, single submitter. Criteria: ACMG Guidelines, 2015. Collection method: clinical testing. Allele origin: germline.
Comment: The ANKRD26 c.1210A>G variant is predicted to result in the amino acid substitution p.Met404Val. To our knowledge, this variant has not been reported in the literature. This variant is reported in 0.0065% of alleles in individuals of African descent in gnomAD. At this time, the clinical significance of this variant is uncertain due to the absence of conclusive functional and genetic evidence.